The following is an entry in ClinVar:

ClinVar aggregate classification (germline): Uncertain significance (1 of 4 stars; one submission).

Submission:

Labcorp Genetics (formerly Invitae), Labcorp
Classification: Uncertain significance. Last evaluated: 2024-01-31. Review status: criteria provided, single submitter. Criteria: Invitae Variant Classification Sherloc (09022015). Collection method: clinical testing. Allele origin: germline.
Comment: This sequence change replaces proline, which is neutral and non-polar, with threonine, which is neutral and polar, at codon 112 of the BCL11B protein (p.Pro112Thr). This variant is not present in population databases (gnomAD no frequency). This variant has not been reported in the literature in individuals affected with BCL11B-related conditions. Advanced modeling of protein sequence and biophysical properties (such as structural, functional, and spatial information, amino acid conservation, physicochemical variation, residue mobility, and thermodynamic stability) has been performed at Invitae for this missense variant, however the output from this modeling did not meet the statistical confidence thresholds required to predict the impact of this variant on BCL11B protein function. In summary, the available evidence is currently insufficient to determine the role of this variant in disease. Therefore, it has been classified as a Variant of Uncertain Significance.

NM_138576.4(BCL11B):c.334C>A (p.Pro112Thr)

Gene: BCL11B (BCL11 transcription factor B; minus strand). Cytogenetic location: 14q32.2.
Variant type: single nucleotide variant.
Coding change: c.334C>A on transcript NM_138576.4 (MANE Select); coding-DNA position 334, C replaced by A.
Protein change: p.Pro112Thr; replaces proline 112 with threonine.
Molecular consequence: missense variant.
Genome position (GRCh38, 1-based): chr14:99,257,564, G>T on the plus strand (C>A on the coding strand, the complement: BCL11B is on the minus strand). VCF-style: chr14-99257564-G-T. GRCh37 (hg19) VCF-style: chr14-99723901-G-T.
Other names: c.331C>A, p.Pro111Thr (NM_001282237.2, NM_001282238.2); c.334C>A, p.Pro112Thr (NM_022898.3); short protein forms P112T, P111T.
Identifiers: ClinVar variation 2714562 (VCV002714562.3), dbSNP rs1477343612, ClinGen allele CA390938898.